The following is an entry in ClinVar:

ClinVar aggregate classification (germline): Uncertain significance (1 of 4 stars; one submission).

Allele frequency attached by ClinVar (database versions not stated): gnomAD exomes 0.00002.

Submission:

Labcorp Genetics (formerly Invitae), Labcorp
Classification: Uncertain significance. Last evaluated: 2022-05-21. Review status: criteria provided, single submitter. Criteria: Invitae Variant Classification Sherloc (09022015). Collection method: clinical testing. Allele origin: germline.
Comment: In summary, the available evidence is currently insufficient to determine the role of this variant in disease. Therefore, it has been classified as a Variant of Uncertain Significance. Experimental studies and prediction algorithms are not available or were not evaluated, and the effect of this variant on mRNA splicing is currently unknown. This variant has not been reported in the literature in individuals affected with POLR3F-related conditions. This variant is not present in population databases (gnomAD no frequency). This sequence change falls in intron 3 of the POLR3F gene. It does not directly change the encoded amino acid sequence of the POLR3F protein.

NM_006466.4(POLR3F):c.249-4A>G

Gene: POLR3F (RNA polymerase III subunit F; plus strand). Cytogenetic location: 20p11.23.
Variant type: single nucleotide variant.
Coding change: c.249-4A>G on transcript NM_006466.4 (MANE Select); 4 bases into the intron before coding-DNA position 249, A replaced by G.
Molecular consequence: intron variant.
Genome position (GRCh38, 1-based): chr20:18,473,387, A>G. VCF-style: chr20-18473387-A-G. GRCh37 (hg19) VCF-style: chr20-18454031-A-G.
Other names: c.126-4A>G (NM_001282526.2).
Identifiers: ClinVar variation 1997772 (VCV001997772.4), dbSNP rs2517418878, ClinGen allele CA2530844996.